The following is an entry in ClinVar:

NC_000010.10:g.(?_73537936)_(73539214_?)del

Gene: CDH23 (cadherin related 23; plus strand). Cytogenetic location: 10q22.1.
Variant type: Deletion.
Identifiers: ClinVar variation 2426727 (VCV002426727.4).

ClinVar aggregate classification (germline): Pathogenic (1 of 4 stars; one submission).

Submission:

Labcorp Genetics (formerly Invitae), Labcorp
Classification: Pathogenic. Last evaluated: 2022-08-07. Review status: criteria provided, single submitter. Criteria: Invitae Variant Classification Sherloc (09022015). Collection method: clinical testing. Allele origin: germline.
Comment: For these reasons, this variant has been classified as Pathogenic. This variant has not been reported in the literature in individuals affected with CDH23-related conditions. This variant is a gross deletion of the genomic region encompassing exon(s) 40-41 of the CDH23 gene. This deletion is out-of-frame, and is expected to create a premature termination codon and result in an absent or disrupted protein product. Loss-of-function variants in CDH23 are known to be pathogenic (PMID: 11138009, 21940737).

Literature cited by the submitters: PubMed 11138009; PubMed 21940737.